The following is an entry in ClinVar:

ClinVar aggregate classification (germline): Uncertain significance (1 of 4 stars; one submission).

Conditions:
Charcot-Marie-Tooth disease type 4. Also called: Charcot-Marie-Tooth, Type 4; Charcot-Marie-Tooth disease, type IV. Identifiers: Orphanet 64749, MedGen C4082197, MONDO:0018995.

Allele frequency attached by ClinVar (database versions not stated): gnomAD exomes below 0.00001; ExAC 0.00001.
gnomAD v4.1: 1 of 1,612,190 alleles (0.000062%); no homozygotes.

Submission:

Labcorp Genetics (formerly Invitae), Labcorp
Classification: Uncertain significance for Charcot-Marie-Tooth disease type 4. Last evaluated: 2020-09-15. Review status: criteria provided, single submitter. Criteria: Invitae Variant Classification Sherloc (09022015). Collection method: clinical testing. Allele origin: germline.
Comment: This variant is present in population databases (rs749010549, ExAC 0.002%). This sequence change replaces proline with serine at codon 592 of the MTMR2 protein (p.Pro592Ser). The proline residue is moderately conserved and there is a moderate physicochemical difference between proline and serine. In summary, the available evidence is currently insufficient to determine the role of this variant in disease. Therefore, it has been classified as a Variant of Uncertain Significance. Advanced modeling of protein sequence and biophysical properties (such as structural, functional, and spatial information, amino acid conservation, physicochemical variation, residue mobility, and thermodynamic stability) performed at Invitae indicates that this missense variant is expected to disrupt MTMR2 protein function. This variant has not been reported in the literature in individuals with MTMR2-related conditions.

NM_016156.6(MTMR2):c.1774C>T (p.Pro592Ser)

Gene: MTMR2 (myotubularin related protein 2; minus strand). Cytogenetic location: 11q21.
Variant type: single nucleotide variant.
Coding change: c.1774C>T on transcript NM_016156.6 (MANE Select); coding-DNA position 1774, C replaced by T.
Protein change: p.Pro592Ser; replaces proline 592 with serine.
Molecular consequence: missense variant.
Genome position (GRCh38, 1-based): chr11:95,835,448, G>A on the plus strand (C>T on the coding strand, the complement: MTMR2 is on the minus strand). VCF-style: chr11-95835448-G-A. GRCh37 (hg19) VCF-style: chr11-95568612-G-A.
Other names: c.1558C>T, p.Pro520Ser (NM_001243571.2, NM_201278.3, NM_201281.3); short protein forms P520S, P592S.
Identifiers: ClinVar variation 1001502 (VCV001001502.8), dbSNP rs749010549, ClinGen allele CA6239852.